The following is an entry in ClinVar:

ClinVar aggregate classification (germline): Likely benign (0 of 4 stars; one submission).

Conditions:
RETN-related disorder. Also called: RETN-related condition.

Allele frequency attached by ClinVar (database versions not stated): 1000 Genomes Project 30x 0.00016.
gnomAD v4.1: 35 of 1,604,114 alleles (0.0022%); highest among the groups gnomAD compares: East Asian, 0.042%; no homozygotes.

Submission:

PreventionGenetics, part of Exact Sciences
Classification: Likely benign for RETN-related condition. Last evaluated: 2019-08-20. Review status: no assertion criteria provided. Collection method: clinical testing. Allele origin: germline.
Comment: This variant is classified as likely benign based on ACMG/AMP sequence variant interpretation guidelines (Richards et al. 2015 PMID: 25741868, with internal and published modifications).

NM_020415.4(RETN):c.-9G>T

Gene: RETN (resistin; plus strand). Cytogenetic location: 19p13.2.
Variant type: single nucleotide variant.
Coding change: c.-9G>T on transcript NM_020415.4 (MANE Select); 9 bases upstream of the start codon, G replaced by T.
Molecular consequence: 5 prime UTR variant. On other transcripts: intron variant (1).
Genome position (GRCh38, 1-based): chr19:7,669,318, G>T. VCF-style: chr19-7669318-G-T. GRCh37 (hg19) VCF-style: chr19-7734204-G-T.
Other names: c.-9G>T (NM_001385725.1, NM_001385726.1, NM_001385727.1); c.-1-8G>T (NM_001193374.2).
Identifiers: ClinVar variation 3053127 (VCV003053127.2), dbSNP rs143039347, ClinGen allele CA9144363.
Genomic context (GRCh38, chr19:7,669,318, plus strand): 5'-GGATCTTCCCCACAGGGCAGGGCTGATCCAGCTGTGGGTCTCTTGGTTCCCTCTTTCAGC[G>T]CCTGCAGGATGAAAGCTCTCTGTCTCCTCCTCCTCCCTGTCCTGGGGCTGTTGGTGTCTA-3'